The following is an entry in ClinVar:

ClinVar aggregate classification (germline): Uncertain significance. Review status: criteria provided, multiple submitters, no conflicts (2 of 4 stars). 2 submissions from 2 submitters: Uncertain significance (2). Last evaluated 2024-08-19.

Conditions:
Inborn genetic diseases. Identifiers: MedGen C0950123, MeSH D030342.

Allele frequency attached by ClinVar (database versions not stated): gnomAD 0.00001.
gnomAD v4.1: 6 of 1,547,416 alleles (0.00039%); highest among the groups gnomAD compares: African/African-American, 0.0014%; no homozygotes.

Submissions (2):

Ambry Genetics
Classification: Uncertain significance for Inborn genetic diseases. Last evaluated: 2024-08-19. Review status: criteria provided, single submitter. Criteria: Ambry Variant Classification Scheme 2023. Collection method: clinical testing. Allele origin: germline.

Labcorp Genetics (formerly Invitae), Labcorp
Classification: Uncertain significance. Last evaluated: 2022-11-22. Review status: criteria provided, single submitter. Criteria: Invitae Variant Classification Sherloc (09022015). Collection method: clinical testing. Allele origin: germline.
Comment: In summary, the available evidence is currently insufficient to determine the role of this variant in disease. Therefore, it has been classified as a Variant of Uncertain Significance. Algorithms developed to predict the effect of missense changes on protein structure and function (SIFT, PolyPhen-2, Align-GVGD) all suggest that this variant is likely to be tolerated. This variant has not been reported in the literature in individuals affected with SPEG-related conditions. The frequency data for this variant in the population databases is considered unreliable, as metrics indicate poor data quality at this position in the gnomAD database. This sequence change replaces arginine, which is basic and polar, with glutamine, which is neutral and polar, at codon 2100 of the SPEG protein (p.Arg2100Gln).

NM_005876.5(SPEG):c.6299G>A (p.Arg2100Gln)

Genes: ASIC4-AS1 (ASIC4 antisense RNA 1; minus strand), SPEG (striated muscle enriched protein kinase; plus strand). Cytogenetic location: 2q35.
Variant type: single nucleotide variant.
Coding change: c.6299G>A on transcript NM_005876.5 (MANE Select); coding-DNA position 6299, G replaced by A.
Protein change: p.Arg2100Gln; replaces arginine 2100 with glutamine.
Molecular consequence: missense variant.
Genome position (GRCh38, 1-based): chr2:219,483,762, G>A. VCF-style: chr2-219483762-G-A. GRCh37 (hg19) VCF-style: chr2-220348484-G-A.
Other names: c.6299G>A (NM_005876.4); short protein forms R2100Q.
Identifiers: ClinVar variation 2182185 (VCV002182185.4), dbSNP rs1302006624, ClinGen allele CA350697375.